The following is an entry in ClinVar:

NM_004465.2(FGF10):c.286G>C (p.Gly96Arg)

Gene: FGF10 (fibroblast growth factor 10; minus strand). Cytogenetic location: 5p12.
Variant type: single nucleotide variant.
Coding change: c.286G>C on transcript NM_004465.2 (MANE Select); coding-DNA position 286, G replaced by C.
Protein change: p.Gly96Arg; replaces glycine 96 with arginine.
Molecular consequence: missense variant.
Genome position (GRCh38, 1-based): chr5:44,388,397, C>G on the plus strand (G>C on the coding strand, the complement: FGF10 is on the minus strand). VCF-style: chr5-44388397-C-G. GRCh37 (hg19) VCF-style: chr5-44388499-C-G.
Other names: short protein forms G96R.
Identifiers: ClinVar variation 4840484 (VCV004840484.1).

ClinVar aggregate classification (germline): Uncertain significance (1 of 4 stars; one submission).

Conditions:
Inborn genetic diseases. Identifiers: MedGen C0950123, MeSH D030342.

Submission:

Ambry Genetics
Classification: Uncertain significance for Inborn genetic diseases. Last evaluated: 2026-03-04. Review status: criteria provided, single submitter. Criteria: Ambry Variant Classification Scheme 2023. Collection method: clinical testing. Allele origin: germline.
Comment: The c.286G>C (p.G96R) alteration is located in exon 1 (coding exon 1) of the FGF10 gene. This alteration results from a G to C substitution at nucleotide position 286, causing the glycine (G) at amino acid position 96 to be replaced by an arginine (R). This variant was not reported in population-based cohorts in the Genome Aggregation Database (gnomAD). This amino acid position is highly conserved in available vertebrate species. This alteration is predicted to be deleterious by in silico analysis. Based on insufficient or conflicting evidence, the clinical significance of this alteration remains unclear.